The following is an entry in ClinVar:

ClinVar aggregate classification (germline): Uncertain significance (1 of 4 stars; one submission).

Conditions:
Hereditary cancer-predisposing syndrome. Also called: Tumor predisposition; Neoplastic Syndromes, Hereditary; Hereditary Cancer Syndrome; Hereditary neoplastic syndrome. Identifiers: Orphanet 140162, MedGen C0027672, MeSH D009386, MONDO:0015356.

gnomAD v4.1: 1 of 1,613,998 alleles (0.000062%); highest among the groups gnomAD compares: Non-Finnish European, 0.000085%; no homozygotes.

Submission:

Ambry Genetics
Classification: Uncertain significance for Hereditary cancer-predisposing syndrome. Last evaluated: 2024-08-12. Review status: criteria provided, single submitter. Criteria: Ambry Variant Classification Scheme 2023. Collection method: clinical testing. Allele origin: germline.
Comment: The p.A3399G variant (also known as c.10196C>G), located in coding exon 26 of the BRCA2 gene, results from a C to G substitution at nucleotide position 10196. The alanine at codon 3399 is replaced by glycine, an amino acid with similar properties. This amino acid position is conserved. In addition, this alteration is predicted to be tolerated by in silico analysis. Based on the available evidence, the clinical significance of this variant remains unclear.

NM_000059.4(BRCA2):c.10196C>G (p.Ala3399Gly)

Gene: BRCA2 (BRCA2 DNA repair associated; plus strand). Cytogenetic location: 13q13.1.
Variant type: single nucleotide variant.
Coding change: c.10196C>G on transcript NM_000059.4 (MANE Select); coding-DNA position 10196, C replaced by G.
Protein change: p.Ala3399Gly; replaces alanine 3399 with glycine.
Molecular consequence: missense variant. On other transcripts: non-coding transcript variant (1).
Genome position (GRCh38, 1-based): chr13:32,398,709, C>G. VCF-style: chr13-32398709-C-G. GRCh37 (hg19) VCF-style: chr13-32972846-C-G.
Other names: c.10100C>G, p.Ala3367Gly (NM_001406719.1); c.10145C>G, p.Ala3382Gly (NM_001406720.1); c.5264C>G, p.Ala1755Gly (NM_001406721.1); c.3779C>G, p.Ala1260Gly (NM_001406722.1); c.10196C>G, p.Ala3399Gly (NM_001432077.1); short protein forms A3367G, A3399G, A1755G, A1260G, A3382G.
Identifiers: ClinVar variation 3482058 (VCV003482058.1).